The following is an entry in ClinVar:

NM_005245.4(FAT1):c.3067G>A (p.Val1023Ile)

Gene: FAT1 (FAT atypical cadherin 1; minus strand). Cytogenetic location: 4q35.2.
Variant type: single nucleotide variant.
Coding change: c.3067G>A on transcript NM_005245.4 (MANE Select); coding-DNA position 3067, G replaced by A.
Protein change: p.Val1023Ile; replaces valine 1023 with isoleucine.
Molecular consequence: missense variant.
Genome position (GRCh38, 1-based): chr4:186,706,761, C>T on the plus strand (G>A on the coding strand, the complement: FAT1 is on the minus strand). VCF-style: chr4-186706761-C-T. GRCh37 (hg19) VCF-style: chr4-187627915-C-T.
Other names: c.3067G>A (NM_005245.3); short protein forms V1023I.
Identifiers: ClinVar variation 1434451 (VCV001434451.14), dbSNP rs200468967, ClinGen allele CA3167120.

ClinVar aggregate classification (germline): Conflicting classifications of pathogenicity. Review status: criteria provided, conflicting classifications (1 of 4 stars). 4 submissions from 4 submitters: Uncertain significance (1); Likely benign (3). Last evaluated 2026-01-12.

Conditions:
Inborn genetic diseases. Identifiers: MedGen C0950123, MeSH D030342.

Allele frequency attached by ClinVar (database versions not stated): TOPMed 0.00022; ESP Exome Variant Server 0.00024; gnomAD exomes 0.00031 and 0.00037; gnomAD 0.00035 and 0.00036; ExAC 0.00047.
gnomAD v4.1: 494 of 1,613,864 alleles (0.031%); highest among the groups gnomAD compares: Non-Finnish European, 0.038%; 1 homozygote.

Submissions (4):

Labcorp Genetics (formerly Invitae), Labcorp
Classification: Uncertain significance. Last evaluated: 2026-01-12. Review status: criteria provided, single submitter. Criteria: Invitae Variant Classification Sherloc (09022015). Collection method: clinical testing. Allele origin: germline.
Comment: This sequence change replaces valine, which is neutral and non-polar, with isoleucine, which is neutral and non-polar, at codon 1023 of the FAT1 protein (p.Val1023Ile). This variant is present in population databases (rs200468967, gnomAD 0.09%), and has an allele count higher than expected for a pathogenic variant. This variant has not been reported in the literature in individuals affected with FAT1-related conditions. ClinVar contains an entry for this variant (Variation ID: 1434451). Invitae Evidence Modeling of protein sequence and biophysical properties (such as structural, functional, and spatial information, amino acid conservation, physicochemical variation, residue mobility, and thermodynamic stability) indicates that this missense variant is not expected to disrupt FAT1 protein function with a negative predictive value of 80%. In summary, the available evidence is currently insufficient to determine the role of this variant in disease. Therefore, it has been classified as a Variant of Uncertain Significance.

CeGaT Center for Human Genetics Tuebingen
Classification: Likely benign. Last evaluated: 2025-06-01. Review status: criteria provided, single submitter. Criteria: CeGaT Center For Human Genetics Tuebingen Variant Classification Criteria Version 2. Collection method: clinical testing. Allele origin: germline. Affected: yes. Observed: 1 variant allele.
Comment: FAT1: BP4

Blueprint Genetics
Classification: Likely benign. Last evaluated: 2024-11-23. Review status: criteria provided, single submitter. Criteria: ACMG Guidelines, 2015. Collection method: clinical testing. Allele origin: germline.

Ambry Genetics
Classification: Likely benign for Inborn genetic diseases. Last evaluated: 2023-01-20. Review status: criteria provided, single submitter. Criteria: Ambry Variant Classification Scheme 2023. Collection method: clinical testing. Allele origin: germline.